The following is an entry in ClinVar:

NM_001395891.1(CLASP1):c.196-571C>T

Genes: CLASP1 (cytoplasmic linker associated protein 1; minus strand), CLASP1-AS1 (CLASP1 antisense RNA 1; plus strand), RNU4ATAC (RNA, U4atac small nuclear; plus strand). Cytogenetic location: 2q14.2.
Variant type: single nucleotide variant.
Coding change: c.196-571C>T on transcript NM_001395891.1 (MANE Select); 571 bases into the intron before coding-DNA position 196, C replaced by T.
Molecular consequence: intron variant.
Genome position (GRCh38, 1-based): chr2:121,530,896, G>A on the plus strand (C>T on the coding strand, the complement: CLASP1 is on the minus strand). VCF-style: chr2-121530896-G-A. GRCh37 (hg19) VCF-style: chr2-122288472-G-A.
Other names: c.196-571C>T (NM_001142274.2, NM_015282.3, NM_001378003.1 and 4 more transcripts).
Identifiers: ClinVar variation 1403727 (VCV001403727.9), dbSNP rs765906028, ClinGen allele CA1854682.

ClinVar aggregate classification (germline): Conflicting classifications of pathogenicity. Review status: criteria provided, conflicting classifications (1 of 4 stars). 6 submissions from 6 submitters: Pathogenic (2); Likely pathogenic (1); Uncertain significance (2). 1 of the submissions does not count toward it. Last evaluated 2026-03-18.

Conditions:
Roifman syndrome (RFMN). Also called: SPONDYLOEPIPHYSEAL DYSPLASIA, RETINAL DYSTROPHY, AND ANTIBODY DEFICIENCY. Identifiers: Orphanet 353298, MedGen C1846059, MONDO:0014722, OMIM 616651.
RNU4ATAC-related disorder. Also called: RNU4ATAC-related condition.
Lowry-Wood syndrome (LWS). Identifiers: Orphanet 1824, MedGen C0796021, MONDO:0009191, OMIM 226960.
Retinal disorder. Also called: Retinopathies; Retinal Diseases; Retinopathy; Retinal disorders. Identifiers: MedGen C0035309, MONDO:0005283, HP:0000488.

Allele frequency attached by ClinVar (database versions not stated): gnomAD 0.00001 and 0.00002; ExAC 0.00009.
gnomAD v4.1: 37 of 694,626 alleles (0.0053%); highest among the groups gnomAD compares: South Asian, 0.0089%; no homozygotes.

Submissions (6):

Genetics Laboratory, Great Ormond Street Hospital NHS Foundation Trust, North Thames Genomic Laboratory Hub
Classification: Likely pathogenic for Retinal disorders. Last evaluated: 2026-03-18. Review status: criteria provided, single submitter. Criteria: ACGS Best Practice Guidelines for Variant Classification in Rare Disease 2024 v1.2. Collection method: clinical testing. Allele origin: germline. Affected: yes.
Comment: PM2_moderate, PM1_moderate, PM3_strong

Genomic Medicine Center of Excellence, King Faisal Specialist Hospital and Research Centre
Classification: Uncertain significance for Lowry-Wood syndrome. Last evaluated: 2024-03-26. Review status: criteria provided, single submitter. Criteria: ACMG Guidelines, 2015. Collection method: clinical testing. Allele origin: germline.

Labcorp Genetics (formerly Invitae), Labcorp
Classification: Uncertain significance. Last evaluated: 2024-01-25. Review status: criteria provided, single submitter. Criteria: Invitae Variant Classification Sherloc (09022015). Collection method: clinical testing. Allele origin: germline.
Comment: This variant occurs in the RNU4ATAC gene, which encodes an RNA molecule that does not result in a protein product. This variant is present in population databases (rs765906028, gnomAD 0.02%). This variant has been observed in individual(s) with Roifman syndrome (PMID: 29263834). ClinVar contains an entry for this variant (Variation ID: 1403727). Experimental studies and prediction algorithms are not available or were not evaluated, and the functional significance of this variant is currently unknown. In summary, the available evidence is currently insufficient to determine the role of this variant in disease. Therefore, it has been classified as a Variant of Uncertain Significance.

Blueprint Genetics
Classification: Pathogenic for RNU4ATAC-related disorders. Last evaluated: 2023-11-09. Review status: criteria provided, single submitter. Criteria: ACMG Guidelines, 2015. Collection method: clinical testing. Allele origin: germline. Affected: yes. Observed: 5 variant alleles.

Broad Center for Mendelian Genomics, Broad Institute of MIT and Harvard
Classification: Pathogenic for Roifman syndrome. Last evaluated: 2023-05-02. Review status: criteria provided, single submitter. Criteria: ACMG Guidelines, 2015. Collection method: curation. Allele origin: germline. Inheritance: Autosomal recessive inheritance.
Comment: The heterozygous n.16G>A variant in RNU4ATAC was identified by our study, in the compound heterozygous state with a likely pathogenic variant (dbSNP ID: rs370715569), in three siblings with microcephaly, retinal anomalies, motor delay, bronchiectasis, and multiple endocrine anomalies. Familial exome analysis revealed that this variant was in trans with a likely pathogenic variant (dbSNP ID: rs370715569). The n.16G>A variant in RNU4ATAC has been reported in five individuals with Roifman syndrome (PMID: 29391254, PMID: 29263834, PMID: 29391254, PMID: 36660028, PMID: 34539730), but has been identified in 0.02% (2/11982) of East Asian chromosomes by the Genome Aggregation Database (gnomAD; dbSNP ID: rs765906028). Although this variant has been seen in the general population in a heterozygous state, its frequency is not high enough to rule out a pathogenic role. This variant has also been reported in ClinVar (Variation ID: 1403727) and has been interpreted as a variant of uncertain significance by Invitae. Of the five individuals previously reported, two were homozygotes (PMID: 29391254, PMID: 29263834) and 3 were compound heterozygotes who carried pathogenic or likely pathogenic variants in trans (PMID: 29391254, ClinVar Variation ID: 636959; PMID: 36660028, ClinVar Variation ID: 30178; PMID: 34539730, ClinVar Variation ID: 30178), which increases the likelihood that the n.16G>A variant is pathogenic. This variant segregated with disease in the three affected individuals in the family identified by our study. RNA-seq analysis performed on affected tissue showed altered splicing with increased minor intron retention (PMID: 29263834) and increased minor intron retention was also seen in an in vitro assay performed using samples from affected tissue (PMID: 32628740). Multiple variants in the same region as n.16G>A have been reported in association with disease in the literature and the n.16G>A variant is located in a region of RNU4ATAC that is essential to its spliceosome activity, suggesting that this variant is in a key functional domain and slightly supports pathogenicity (PMID: 32628740). In summary, this variant meets criteria to be classified as pathogenic for autosomal recessive Roifman syndrome. ACMG/AMP Criteria applied: PM3_VeryStrong, PS3, PM1_Supporting, PP1, PP3 (Richards 2015).

PreventionGenetics, part of Exact Sciences
Classification: Uncertain significance for RNU4ATAC-related condition. Last evaluated: 2023-12-27. Review status: no assertion criteria provided. Collection method: clinical testing. Allele origin: germline. Not counted in ClinVar's aggregate classification.
Comment: The RNU4ATAC n.17G>A is a noncoding alteration. This variant has been reported in the compound heterozygous state in at least one individual with Roifman syndrome (Figure 5, Schejter et al. 2017. PubMed ID: 29263834; Supplementary Figure 8A, Olthof et al. 2021, PubMed ID: 33660780; Table 1, Benoit-Pilven et al. 2020. PubMed ID: 32628740; Table S2, Shelihan et al. 2018. PubMed ID: 30368667). This variant is reported in 0.017% of alleles in individuals of East Asian descent in gnomAD. In ClinVar, this variant has conflicting interpretations regarding its pathogenicity, ranging from uncertain significance to pathogenic. Although we suspect that this variant may be pathogenic, at this time, the clinical significance of this variant is uncertain due to the absence of conclusive functional and genetic evidence.

Literature cited by the submitters: PubMed 29263834 (cited by Labcorp Genetics (formerly Invitae), Labcorp).